The following is an entry in ClinVar:

ClinVar aggregate classification (germline): Likely benign (0 of 4 stars; one submission).

Conditions:
FAT3-related disorder. Also called: FAT3-related condition.

Allele frequency attached by ClinVar (database versions not stated): gnomAD exomes 0.00011; ExAC 0.00032; gnomAD 0.00113; TOPMed 0.00132; ESP Exome Variant Server 0.00134; 1000 Genomes Project 30x 0.00219; 1000 Genomes Project 0.00220.
gnomAD v4.1: 337 of 1,614,014 alleles (0.021%); highest among the groups gnomAD compares: African/African-American, 0.39%; 1 homozygote.

Submission:

PreventionGenetics, part of Exact Sciences
Classification: Likely benign for FAT3-related condition. Last evaluated: 2023-03-28. Review status: no assertion criteria provided. Collection method: clinical testing. Allele origin: germline.
Comment: This variant is classified as likely benign based on ACMG/AMP sequence variant interpretation guidelines (Richards et al. 2015 PMID: 25741868, with internal and published modifications).

NM_001367949.2(FAT3):c.11177G>C (p.Arg3726Thr)

Gene: FAT3 (FAT atypical cadherin 3; plus strand). Cytogenetic location: 11q14.3.
Variant type: single nucleotide variant.
Coding change: c.11177G>C on transcript NM_001367949.2 (MANE Select); coding-DNA position 11177, G replaced by C.
Protein change: p.Arg3726Thr; replaces arginine 3726 with threonine.
Molecular consequence: missense variant.
Genome position (GRCh38, 1-based): chr11:92,844,544, G>C. VCF-style: chr11-92844544-G-C. GRCh37 (hg19) VCF-style: chr11-92577710-G-C.
Other names: c.11177G>C, p.Arg3726Thr (NM_001008781.3); short protein forms R3726T.
Identifiers: ClinVar variation 3053972 (VCV003053972.2), dbSNP rs115557339, ClinGen allele CA6228273.
Genomic context (GRCh38, chr11:92,844,544, plus strand): 5'-AGATGCACAGCAGCGAGTTCTACAAGCCAGCCTACCTGATCCAGAAGCTGTCCAATGCTA[G>C]AAGACACCTGGAGAATATCATGCGCATCTCAGCCATCTTGGAGAAGAACTGCTCAGGGCT-3'
Protein context (NP_001354878.1, residues 3716-3736): AYLIQKLSNA[Arg3726Thr]RHLENIMRIS